The following is an entry in ClinVar:

NM_000179.3(MSH6):c.694C>T (p.Gln232Ter)

Gene: MSH6 (mutS homolog 6; plus strand). Cytogenetic location: 2p16.3.
Variant type: single nucleotide variant.
Coding change: c.694C>T on transcript NM_000179.3 (MANE Select); coding-DNA position 694, C replaced by T.
Protein change: p.Gln232Ter; replaces glutamine 232 with a stop codon.
Molecular consequence: nonsense. On other transcripts: 5 prime UTR variant (2).
Genome position (GRCh38, 1-based): chr2:47,798,677, C>T. VCF-style: chr2-47798677-C-T. GRCh37 (hg19) VCF-style: chr2-48025816-C-T.
Other names: c.304C>T, p.Gln102Ter (NM_001281492.2); c.-213C>T (NM_001281493.2, NM_001281494.2); short protein forms Q232*, Q102*.
Identifiers: ClinVar variation 89556 (VCV000089556.26), dbSNP rs587779318, ClinGen allele CA016261.

ClinVar aggregate classification (germline): Pathogenic. Review status: reviewed by expert panel (3 of 4 stars). 12 submissions from 12 submitters: Pathogenic (1). 11 of the submissions do not count toward it. Last evaluated 2013-09-05.

Conditions:
Hereditary nonpolyposis colorectal neoplasms. Identifiers: MedGen C0009405, MeSH D003123.
Inherited MMR deficiency (Lynch syndrome).
Hereditary cancer-predisposing syndrome. Also called: Hereditary Cancer Syndrome; Neoplastic Syndromes, Hereditary; Hereditary neoplastic syndrome; Tumor predisposition. Identifiers: Orphanet 140162, MedGen C0027672, MeSH D009386, MONDO:0015356.
Lynch syndrome. Identifiers: Orphanet 144, MedGen C4552100, MONDO:0005835. Disease mechanism: loss of function.
Lynch syndrome 5 (LYNCH5). Also called: Colorectal cancer, hereditary nonpolyposis, type 5; Hereditary non-polyposis colorectal cancer, type 5. Identifiers: Orphanet 144, MedGen C1833477, MONDO:0013710, OMIM 614350. Disease mechanism: loss of function.
Endometrial carcinoma. Also called: Endometrial carcinoma, somatic. Identifiers: MedGen C0476089, MONDO:0002447, OMIM 608089, HP:0012114.

Allele frequency attached by ClinVar (database versions not stated): gnomAD exomes below 0.00001.

Submissions (12):

International Society for Gastrointestinal Hereditary Tumours (InSiGHT)
Classification: Pathogenic for Lynch Syndrome. Last evaluated: 2013-09-05. Review status: reviewed by expert panel. Criteria: Guidelines v1.9. Collection method: research. Allele origin: germline.
Comment: Coding sequence variation resulting in a stop codon

Classified with v1.9 guidelines

Genomics and Molecular Medicine Service, East Genomic Laboratory Hub, NHS Genomic Medicine Service
Classification: Pathogenic for Inherited MMR deficiency (Lynch syndrome). Last evaluated: 2026-08-17. Review status: criteria provided, single submitter. Criteria: ACGS Best Practice Guidelines for Variant Classification in Rare Disease 2020. Collection method: clinical testing. Allele origin: germline. Affected: yes. Not counted in ClinVar's aggregate classification.
Comment: PVS1,PS4,PM2_Supporting,PM5_Supporting,PP4

Labcorp Genetics (formerly Invitae), Labcorp
Classification: Pathogenic for Hereditary nonpolyposis colorectal neoplasms. Last evaluated: 2026-01-27. Review status: criteria provided, single submitter. Criteria: Invitae Variant Classification Sherloc (09022015). Collection method: clinical testing. Allele origin: germline. Not counted in ClinVar's aggregate classification.
Comment: This sequence change creates a premature translational stop signal (p.Gln232*) in the MSH6 gene. It is expected to result in an absent or disrupted protein product. Loss-of-function variants in MSH6 are known to be pathogenic (PMID: 18269114, 24362816). This variant is not present in population databases (gnomAD no frequency). This premature translational stop signal has been observed in individual(s) with clinical features of Lynch syndrome (PMID: 22658618). ClinVar contains an entry for this variant (Variation ID: 89556). For these reasons, this variant has been classified as Pathogenic.

GeneDx
Classification: Pathogenic. Last evaluated: 2025-05-14. Review status: criteria provided, single submitter. Criteria: GeneDx Variant Classification Process June 2021. Collection method: clinical testing. Allele origin: germline. Affected: yes. Not counted in ClinVar's aggregate classification.
Comment: Reported in a cohort of patients with a Lynch syndrome related cancer and/or colon polyps (PMID: 25980754); Nonsense variant predicted to result in protein truncation or nonsense mediated decay in a gene for which loss of function is a known mechanism of disease; Truncating variants in this gene are considered pathogenic by a well-established clinical consortium and/or database; Not observed at significant frequency in large population cohorts (gnomAD); This variant is associated with the following publications: (PMID: 22658618, 25980754)

All of Us Research Program, National Institutes of Health
Classification: Pathogenic for Lynch syndrome. Last evaluated: 2024-06-09. Review status: criteria provided, single submitter. Criteria: ACMG Guidelines, 2015. Collection method: clinical testing. Allele origin: germline. Inheritance: Autosomal dominant inheritance. Observed: 1 variant allele, 1 heterozygote. Not counted in ClinVar's aggregate classification.
Comment: This variant changes 1 nucleotide in exon 4 of the MSH6 gene, creating a premature translation stop signal. This variant is expected to result in an absent or non-functional protein product. This variant has been reported in individuals affected with Lynch syndrome-associated cancers and/or colorectal polyps (PMID: 22658618, 25980754). This variant has not been identified in the general population by the Genome Aggregation Database (gnomAD). Loss of MSH6 function is a known mechanism of disease. Based on the available evidence, this variant is classified as Pathogenic.

This study involves interpretation of variants in research participants for the purpose of population health screening. Participant phenotype was not available at the time of variant classification. Additional details can be found in publication PMID: 35346344, PMCID: PMC8962531

Ambry Genetics
Classification: Pathogenic for Hereditary cancer-predisposing syndrome. Last evaluated: 2024-05-03. Review status: criteria provided, single submitter. Criteria: Ambry Variant Classification Scheme 2023. Collection method: clinical testing. Allele origin: germline. Not counted in ClinVar's aggregate classification.
Comment: The p.Q232* pathogenic mutation (also known as c.694C>T), located in coding exon 4 of the MSH6 gene, results from a C to T substitution at nucleotide position 694. This changes the amino acid from a glutamine to a stop codon within coding exon 4. This alteration is expected to result in loss of function by premature protein truncation or nonsense-mediated mRNA decay. As such, this alteration is interpreted as a disease-causing mutation.

Myriad Genetics, Inc.
Classification: Pathogenic for Lynch syndrome 5. Last evaluated: 2023-08-10. Review status: criteria provided, single submitter. Criteria: Myriad Autosomal Dominant, Autosomal Recessive and X-Linked Classification Criteria (2023). Collection method: clinical testing. Allele origin: unknown. Not counted in ClinVar's aggregate classification.
Comment: This variant is considered pathogenic. This variant creates a termination codon and is predicted to result in premature protein truncation.

Baylor Genetics
Classification: Pathogenic for Endometrial carcinoma. Last evaluated: 2023-04-15. Review status: criteria provided, single submitter. Criteria: ACMG Guidelines, 2015. Collection method: clinical testing. Allele origin: unknown. Not counted in ClinVar's aggregate classification.

Revvity Omics, Revvity
Classification: Likely pathogenic. Last evaluated: 2022-12-01. Review status: criteria provided, single submitter. Criteria: ACMG Guidelines, 2015. Collection method: clinical testing. Allele origin: germline. Not counted in ClinVar's aggregate classification.

Department of Pathology and Laboratory Medicine, Sinai Health System
Classification: Uncertain significance. Review status: no assertion criteria provided. Collection method: clinical testing. Allele origin: unknown. Affected: yes. Observed: 2 variant alleles. Study: The Canadian Open Genetics Repository (COGR). Not counted in ClinVar's aggregate classification.
Comment: The p.Gln232X variant has been reported in the literature in 1/120 proband chromosomes of an individual with Lynch syndrome (Pritchard 2012); it was not identified in any of the 38 control chromosomes. In addition, it has been previously identified in one family by our laboratory meeting MOH criteria for FAP. The variant was also identified in the InSiGHT Colon Cancer database. The variant leads to a premature stop codon at position 232 which is predicted to cause premature truncation or absent protein product and loss of function. Loss of function is an established disease mechanism for the MSH6 gene and is the type of variant expected to cause Lynch syndrome. In summary, based on the above information, this variant is classified as pathogenic.

Genome Diagnostics Laboratory, University Medical Center Utrecht
Classification: Pathogenic. Review status: no assertion criteria provided. Collection method: clinical testing. Allele origin: germline. Affected: yes. Study: VKGL Data-share Consensus. Not counted in ClinVar's aggregate classification.

Joint Genome Diagnostic Labs from Nijmegen and Maastricht, Radboudumc and MUMC+
Classification: Pathogenic. Review status: no assertion criteria provided. Collection method: clinical testing. Allele origin: germline. Affected: yes. Study: VKGL Data-share Consensus. Not counted in ClinVar's aggregate classification.

Literature cited by the submitters: PubMed 18269114 (cited by Labcorp Genetics (formerly Invitae), Labcorp); PubMed 24362816 (cited by Labcorp Genetics (formerly Invitae), Labcorp); PubMed 22658618 (cited by Labcorp Genetics (formerly Invitae), Labcorp and All of Us Research Program, National Institutes of Health); PubMed 25980754 (cited by All of Us Research Program, National Institutes of Health).